The following is an entry in ClinVar:

ClinVar aggregate classification (germline): Uncertain significance (1 of 4 stars; one submission).

Allele frequency attached by ClinVar (database versions not stated): gnomAD exomes below 0.00001; gnomAD 0.00001; TOPMed 0.00001.
gnomAD v4.1: 2 of 1,230,114 alleles (0.00016%); highest among the groups gnomAD compares: African/African-American, 0.0016%; no homozygotes.

Submission:

Labcorp Genetics (formerly Invitae), Labcorp
Classification: Uncertain significance. Last evaluated: 2022-12-07. Review status: criteria provided, single submitter. Criteria: Invitae Variant Classification Sherloc (09022015). Collection method: clinical testing. Allele origin: germline.
Comment: In summary, the available evidence is currently insufficient to determine the role of this variant in disease. Therefore, it has been classified as a Variant of Uncertain Significance. Advanced modeling of protein sequence and biophysical properties (such as structural, functional, and spatial information, amino acid conservation, physicochemical variation, residue mobility, and thermodynamic stability) performed at Invitae indicates that this missense variant is not expected to disrupt ARID1A protein function. This variant has not been reported in the literature in individuals affected with ARID1A-related conditions. This variant is not present in population databases (gnomAD no frequency). This sequence change replaces glycine, which is neutral and non-polar, with arginine, which is basic and polar, at codon 36 of the ARID1A protein (p.Gly36Arg).

NM_006015.6(ARID1A):c.106G>A (p.Gly36Arg)

Gene: ARID1A (AT-rich interaction domain 1A; plus strand). Cytogenetic location: 1p36.11.
Variant type: single nucleotide variant.
Coding change: c.106G>A on transcript NM_006015.6 (MANE Select); coding-DNA position 106, G replaced by A.
Protein change: p.Gly36Arg; replaces glycine 36 with arginine.
Molecular consequence: missense variant.
Genome position (GRCh38, 1-based): chr1:26,696,509, G>A. VCF-style: chr1-26696509-G-A. GRCh37 (hg19) VCF-style: chr1-27023000-G-A.
Other names: c.106G>A, p.Gly36Arg (NM_139135.4); short protein forms G36R.
Identifiers: ClinVar variation 2874201 (VCV002874201.3), dbSNP rs1327651890, ClinGen allele CA339264407.
Genomic context (GRCh38, chr1:26,696,509, plus strand): 5'-CCGCCGCCGCCGCCGCCCTCGGAGCTGAAGAAAGCCGAGCAGCAGCAGCGGGAGGAGGCG[G>A]GGGGCGAGGCGGCGGCGGCGGCAGCGGCCGAGCGCGGGGAAATGAAGGCAGCCGCCGGGC-3'
Protein context (NP_006006.3, residues 26-46): KAEQQQREEA[Gly36Arg]GEAAAAAAAE